The following is an entry in ClinVar:

NM_003036.4(SKI):c.1115C>G (p.Pro372Arg)

Gene: SKI (SKI proto-oncogene; plus strand). Cytogenetic location: 1p36.32.
Variant type: single nucleotide variant.
Coding change: c.1115C>G on transcript NM_003036.4 (MANE Select); coding-DNA position 1115, C replaced by G.
Protein change: p.Pro372Arg; replaces proline 372 with arginine.
Molecular consequence: missense variant.
Genome position (GRCh38, 1-based): chr1:2,303,304, C>G. VCF-style: chr1-2303304-C-G. GRCh37 (hg19) VCF-style: chr1-2234743-C-G.
Other names: short protein forms P372R.
Identifiers: ClinVar variation 4165707 (VCV004165707.1).

ClinVar aggregate classification (germline): Uncertain significance (1 of 4 stars; one submission).

Conditions:
Familial thoracic aortic aneurysm and aortic dissection (TAAD). Also called: Thoracic aortic aneurysms and dissections. Identifiers: Orphanet 91387, MedGen C4707243, MONDO:0019625.

Submission:

Ambry Genetics
Classification: Uncertain significance for Familial thoracic aortic aneurysm and aortic dissection. Last evaluated: 2025-06-15. Review status: criteria provided, single submitter. Criteria: Ambry Variant Classification Scheme 2023. Collection method: clinical testing. Allele origin: germline.
Comment: The p.P372R variant (also known as c.1115C>G), located in coding exon 3 of the SKI gene, results from a C to G substitution at nucleotide position 1115. The proline at codon 372 is replaced by arginine, an amino acid with dissimilar properties. This amino acid position is conserved. In addition, the in silico prediction for this alteration is inconclusive. Based on the available evidence, the clinical significance of this variant remains unclear.